The following is an entry in ClinVar:

ClinVar aggregate classification (germline): Uncertain significance (1 of 4 stars; one submission).

Conditions:
Hereditary cancer-predisposing syndrome. Also called: Neoplastic Syndromes, Hereditary; Tumor predisposition; Hereditary Cancer Syndrome; Hereditary neoplastic syndrome. Identifiers: Orphanet 140162, MedGen C0027672, MeSH D009386, MONDO:0015356.

Submission:

Ambry Genetics
Classification: Uncertain significance for Hereditary cancer-predisposing syndrome. Last evaluated: 2022-04-28. Review status: criteria provided, single submitter. Criteria: Ambry Variant Classification Scheme 2023. Collection method: clinical testing. Allele origin: germline.
Comment: The p.E1324V variant (also known as c.3971A>T), located in coding exon 23 of the PTCH1 gene, results from an A to T substitution at nucleotide position 3971. The glutamic acid at codon 1324 is replaced by valine, an amino acid with dissimilar properties. This amino acid position is conserved. In addition, this alteration is predicted to be deleterious by in silico analysis. Since supporting evidence is limited at this time, the clinical significance of this alteration remains unclear.

NM_000264.5(PTCH1):c.3971A>T (p.Glu1324Val)

Gene: PTCH1 (patched 1; minus strand). Cytogenetic location: 9q22.32.
Variant type: single nucleotide variant.
Coding change: c.3971A>T on transcript NM_000264.5 (MANE Select); coding-DNA position 3971, A replaced by T.
Protein change: p.Glu1324Val; replaces glutamic acid 1324 with valine.
Molecular consequence: missense variant. On other transcripts: non-coding transcript variant (1).
Genome position (GRCh38, 1-based): chr9:95,447,285, T>A on the plus strand (A>T on the coding strand, the complement: PTCH1 is on the minus strand). VCF-style: chr9-95447285-T-A. GRCh37 (hg19) VCF-style: chr9-98209567-T-A.
Other names: c.3815A>T, p.Glu1272Val (NM_001354918.2); c.3773A>T, p.Glu1258Val (NM_001083602.3); c.3968A>T, p.Glu1323Val (NM_001083603.3); c.3518A>T, p.Glu1173Val (NM_001083604.3, NM_001083605.3, NM_001083606.3 and 1 more transcripts); short protein forms E1173V, E1324V, E1272V, E1323V, E1258V.
Identifiers: ClinVar variation 1736617 (VCV001736617.2), dbSNP rs2136580402, ClinGen allele CA374110563.